The following is an entry in ClinVar:

ClinVar aggregate classification (germline): Likely benign (1 of 4 stars; one submission).

Allele frequency attached by ClinVar (database versions not stated): gnomAD 0.00001; gnomAD exomes 0.00001; TOPMed 0.00002.
gnomAD v4.1: 12 of 1,528,742 alleles (0.00078%); highest among the groups gnomAD compares: Non-Finnish European, 0.00097%; no homozygotes.

Submission:

CeGaT Center for Human Genetics Tuebingen
Classification: Likely benign. Last evaluated: 2022-06-01. Review status: criteria provided, single submitter. Criteria: CeGaT Center For Human Genetics Tuebingen Variant Classification Criteria Version 2. Collection method: clinical testing. Allele origin: germline. Affected: yes. Observed: 1 variant allele.
Comment: TERB1: BP4, BP7

NM_001136505.2(TERB1):c.1743T>C (p.Thr581=)

Gene: TERB1 (telomere repeat binding bouquet formation protein 1; minus strand). Cytogenetic location: 16q22.1.
Variant type: single nucleotide variant.
Coding change: c.1743T>C on transcript NM_001136505.2 (MANE Select); coding-DNA position 1743, T replaced by C.
Protein change: p.Thr581=; no amino-acid change (threonine 581 retained).
Molecular consequence: synonymous variant.
Genome position (GRCh38, 1-based): chr16:66,767,452, A>G on the plus strand (T>C on the coding strand, the complement: TERB1 is on the minus strand). VCF-style: chr16-66767452-A-G. GRCh37 (hg19) VCF-style: chr16-66801355-A-G.
Identifiers: ClinVar variation 2646604 (VCV002646604.24), dbSNP rs1181037767, ClinGen allele CA495935856.